The following is an entry in ClinVar:

ClinVar aggregate classification (germline): Conflicting classifications of pathogenicity. Review status: criteria provided, conflicting classifications (1 of 4 stars). 18 submissions from 14 submitters: Uncertain significance (5); Benign (6); Likely benign (6). 1 of the submissions does not count toward it. Last evaluated 2026-01-21.

Conditions:
Dilated cardiomyopathy 1G (CMD1G). Identifiers: Orphanet 154, MedGen C1858763, MONDO:0011400, OMIM 604145.
Autosomal recessive limb-girdle muscular dystrophy type 2J (LGMDR10). Also called: MUSCULAR DYSTROPHY, LIMB-GIRDLE, AUTOSOMAL RECESSIVE 10; Limb-girdle muscular dystrophy, type 2J. Identifiers: Orphanet 140922, MedGen C1837342, MONDO:0012127, OMIM 608807.
Cardiovascular phenotype. Identifiers: MedGen CN230736.
TTN-related disorder. Also called: TTN-related disorders; TTN-related condition; TTN-related disease.
Cardiomyopathy (CMYO). Also called: Cardiomyopathies. Identifiers: Orphanet 167848, MedGen C0878544, MONDO:0004994, HP:0001638. Inheritance: Various modes of inheritance.
Early-onset myopathy with fatal cardiomyopathy (CMYO5). Also called: CONGENITAL MYOPATHY 5 WITH CARDIOMYOPATHY; Salih Myopathy. Identifiers: Orphanet 289377, MedGen C2673677, MONDO:0012714, OMIM 611705. Disease mechanism: loss of function.
Myopathy, myofibrillar, 9, with early respiratory failure (MFM9). Also called: Myopathy, distal, with early respiratory failure, autosomal dominant; Hereditary myopathy with early respiratory failure; MYOPATHY, PROXIMAL, WITH EARLY RESPIRATORY MUSCLE INVOLVEMENT; EDSTROM MYOPATHY. Identifiers: Orphanet 178464, Orphanet 34521, MedGen C1863599, MONDO:0011362, OMIM 603689.
Tibial muscular dystrophy (TMD). Also called: Udd Distal Myopathy – Tibial Muscular Dystrophy; Tibial muscular dystrophy, tardive; UDD MYOPATHY. Identifiers: Orphanet 609, MedGen C1838244, MONDO:0010870, OMIM 600334.

Allele frequency attached by ClinVar (database versions not stated): ESP Exome Variant Server 0.00066; gnomAD 0.00041; TOPMed 0.00098.
gnomAD v4.1: 975 of 1,613,542 alleles (0.06%); highest among the groups gnomAD compares: Admixed American, 0.19%; 4 homozygotes.

Submissions (18):

Labcorp Genetics (formerly Invitae), Labcorp
Classification: Benign for Dilated cardiomyopathy 1G; Autosomal recessive limb-girdle muscular dystrophy type 2J. Last evaluated: 2026-01-21. Review status: criteria provided, single submitter. Criteria: Invitae Variant Classification Sherloc (09022015). Collection method: clinical testing. Allele origin: germline.

CeGaT Center for Human Genetics Tuebingen
Classification: Likely benign. Last evaluated: 2025-11-01. Review status: criteria provided, single submitter. Criteria: CeGaT Center For Human Genetics Tuebingen Variant Classification Criteria Version 2. Collection method: clinical testing. Allele origin: germline. Affected: yes. Observed: 16 variant alleles.
Comment: TTN: BP4

Molecular Diagnostic Laboratory for Inherited Cardiovascular Disease, Montreal Heart Institute
Classification: Likely benign. Last evaluated: 2025-04-09. Review status: criteria provided, single submitter. Criteria: ACMG Guidelines, 2015. Collection method: clinical testing. Allele origin: germline. Affected: no.

ARUP Laboratories, Molecular Genetics and Genomics, ARUP Laboratories
Classification: Likely benign. Last evaluated: 2024-11-21. Review status: criteria provided, single submitter. Criteria: ARUP Molecular Germline Variant Investigation Process 2024. Collection method: clinical testing. Allele origin: germline.

Women's Health and Genetics/Laboratory Corporation of America, LabCorp
Classification: Likely benign. Last evaluated: 2024-11-11. Review status: criteria provided, single submitter. Criteria: LabCorp Variant Classification Summary - May 2015. Collection method: clinical testing. Allele origin: germline.

Blueprint Genetics
Classification: Likely benign. Last evaluated: 2024-10-23. Review status: criteria provided, single submitter. Criteria: ACMG Guidelines, 2015. Collection method: clinical testing. Allele origin: germline.

Athena Diagnostics
Classification: Benign. Last evaluated: 2024-08-02. Review status: criteria provided, single submitter. Criteria: Athena Diagnostics Criteria. Collection method: clinical testing. Allele origin: unknown.

GeneDx
Classification: Likely benign. Last evaluated: 2021-08-05. Review status: criteria provided, single submitter. Criteria: GeneDx Variant Classification Process June 2021. Collection method: clinical testing. Allele origin: germline. Affected: yes.
Comment: This variant is associated with the following publications: (PMID: 30847666)

Ambry Genetics
Classification: Benign for Cardiovascular phenotype. Last evaluated: 2019-01-03. Review status: criteria provided, single submitter. Criteria: Ambry Variant Classification Scheme 2023. Collection method: clinical testing. Allele origin: germline.

CHEO Genetics Diagnostic Laboratory, Children's Hospital of Eastern Ontario
Classification: Benign for Cardiomyopathy. Last evaluated: 2018-03-23. Review status: criteria provided, single submitter. Criteria: ACMG Guidelines, 2015. Collection method: clinical testing. Allele origin: germline.

Illumina Laboratory Services, Illumina
Classification: Benign for Myopathy, myofibrillar, 9, with early respiratory failure. Last evaluated: 2018-01-13. Review status: criteria provided, single submitter. Criteria: ICSL Variant Classification Criteria 13 December 2019. Collection method: clinical testing. Allele origin: germline.
Comment: This variant was observed in the ICSL laboratory as part of a predisposition screen in an ostensibly healthy population. It had not been previously curated by ICSL or reported in the Human Gene Mutation Database (HGMD: prior to June 1st, 2018), and was therefore a candidate for classification through an automated scoring system. Utilizing variant allele frequency, disease prevalence and penetrance estimates, and inheritance mode, an automated score was calculated to assess if this variant is too frequent to cause the disease. Based on the score and internal cut-off values, a variant classified as benign is not then subjected to further curation. The score for this variant resulted in a classification of benign for this disease.

Illumina Laboratory Services, Illumina
Classification: Uncertain significance for Dilated cardiomyopathy 1G. Last evaluated: 2018-01-13. Review status: criteria provided, single submitter. Criteria: ICSL Variant Classification Criteria 13 December 2019. Collection method: clinical testing. Allele origin: germline.

Illumina Laboratory Services, Illumina
Classification: Benign for Tibial muscular dystrophy. Last evaluated: 2018-01-13. Review status: criteria provided, single submitter. Criteria: ICSL Variant Classification Criteria 13 December 2019. Collection method: clinical testing. Allele origin: germline.
Comment: the same text as in the submission from Illumina Laboratory Services, Illumina above.

Illumina Laboratory Services, Illumina
Classification: Uncertain significance for Autosomal recessive limb-girdle muscular dystrophy type 2J. Last evaluated: 2018-01-13. Review status: criteria provided, single submitter. Criteria: ICSL Variant Classification Criteria 13 December 2019. Collection method: clinical testing. Allele origin: germline.

Illumina Laboratory Services, Illumina
Classification: Uncertain significance for Early-onset myopathy with fatal cardiomyopathy. Last evaluated: 2018-01-13. Review status: criteria provided, single submitter. Criteria: ICSL Variant Classification Criteria 13 December 2019. Collection method: clinical testing. Allele origin: germline.

Eurofins Ntd Llc (ga)
Classification: Uncertain significance. Last evaluated: 2013-10-21. Review status: criteria provided, single submitter. Criteria: EGL Classification Definitions 2015. Collection method: clinical testing. Allele origin: germline. Observed: 4 variant alleles, 4 heterozygotes.

Laboratory for Molecular Medicine, Mass General Brigham Personalized Medicine
Classification: Uncertain significance. Last evaluated: 2012-03-19. Review status: criteria provided, single submitter. Criteria: LMM Criteria. Collection method: clinical testing. Allele origin: germline. Observed: 1 variant allele.
Comment: Variant classified as Uncertain Significance - Favor Benign. The Val26919Met var iant (TTN) has been identified in 0.1% (7/6662) of European American chromosomes from a broad population by the NHLBI Exome Sequencing Project. Computational analyses (biochemical amino acid properties, co nservation, AlignGVGD, and PolyPhen2) suggest that the Val26919Met variant may n ot impact the protein, though this information is not predictive enough to rule out pathogenicity. While the frequency as well as computational data suggests th at this variant is more likely benign, it is too low to confidently rule out a d isease causing role. Additional information is needed to fully assess its clinic al significance.

PreventionGenetics, part of Exact Sciences
Classification: Benign for TTN-related condition. Last evaluated: 2024-01-19. Review status: no assertion criteria provided. Collection method: clinical testing. Allele origin: germline. Not counted in ClinVar's aggregate classification.
Comment: This variant is classified as benign based on ACMG/AMP sequence variant interpretation guidelines (Richards et al. 2015 PMID: 25741868, with internal and published modifications).

Literature cited by the submitters: PubMed 28831623 (cited by Athena Diagnostics and Ambry Genetics); PubMed 27662471 (cited by Athena Diagnostics); PubMed 37904629 (cited by Athena Diagnostics); PubMed 28771489 (cited by Athena Diagnostics); PubMed 30847666 (cited by Athena Diagnostics).

NM_001267550.2(TTN):c.88459G>A (p.Val29487Met)

Genes: TTN (titin; minus strand), TTN-AS1 (TTN antisense RNA 1; plus strand). Cytogenetic location: 2q31.2.
Variant type: single nucleotide variant.
Coding change: c.88459G>A on transcript NM_001267550.2 (MANE Select); coding-DNA position 88459, G replaced by A.
Protein change: p.Val29487Met; replaces valine 29487 with methionine.
Molecular consequence: missense variant.
Genome position (GRCh38, 1-based): chr2:178,555,000, C>T on the plus strand (G>A on the coding strand, the complement: TTN is on the minus strand). VCF-style: chr2-178555000-C-T. GRCh37 (hg19) VCF-style: chr2-179419727-C-T.
Other names: p.V27846M:GTG>ATG; c.83536G>A, p.Val27846Met (NM_001256850.1); c.61264G>A, p.Val20422Met (NM_003319.4); c.80755G>A, p.Val26919Met (NM_133378.4); c.61639G>A, p.Val20547Met (NM_133432.3); c.61840G>A, p.Val20614Met (NM_133437.4); c.88459G>A (NM_001267550.1); short protein forms V29487M, V26919M, V27846M, V20422M, V20614M, V20547M.
Identifiers: ClinVar variation 47479 (VCV000047479.103), dbSNP rs200899806, ClinGen allele CA141137.